The following is an entry in ClinVar:

ClinVar aggregate classification (germline): Uncertain significance (1 of 4 stars; one submission).

Conditions:
Immunodeficiency. Identifiers: MedGen C0021051, MONDO:0021094, HP:0002721.

Allele frequency attached by ClinVar (database versions not stated): gnomAD 0.00001; TOPMed 0.00001.

Submission:

Labcorp Genetics (formerly Invitae), Labcorp
Classification: Uncertain significance for Immunodeficiency. Last evaluated: 2024-07-08. Review status: criteria provided, single submitter. Criteria: Invitae Variant Classification Sherloc (09022015). Collection method: clinical testing. Allele origin: germline.
Comment: This sequence change replaces proline, which is neutral and non-polar, with leucine, which is neutral and non-polar, at codon 841 of the NFAT5 protein (p.Pro841Leu). This variant is not present in population databases (gnomAD no frequency). This variant has not been reported in the literature in individuals affected with NFAT5-related conditions. ClinVar contains an entry for this variant (Variation ID: 1041175). An algorithm developed to predict the effect of missense changes on protein structure and function (PolyPhen-2) suggests that this variant is likely to be tolerated. In summary, the available evidence is currently insufficient to determine the role of this variant in disease. Therefore, it has been classified as a Variant of Uncertain Significance.

NM_138713.4(NFAT5):c.2804C>T (p.Pro935Leu)

Gene: NFAT5 (nuclear factor of activated T cells 5; plus strand). Cytogenetic location: 16q22.1.
Variant type: single nucleotide variant.
Coding change: c.2804C>T on transcript NM_138713.4 (MANE Select); coding-DNA position 2804, C replaced by T.
Protein change: p.Pro935Leu; replaces proline 935 with leucine.
Molecular consequence: missense variant.
Genome position (GRCh38, 1-based): chr16:69,692,629, C>T. VCF-style: chr16-69692629-C-T. GRCh37 (hg19) VCF-style: chr16-69726532-C-T.
Other names: c.2801C>T, p.Pro934Leu (NM_001113178.3); c.2129C>T, p.Pro710Leu (NM_001367709.1); c.2750C>T, p.Pro917Leu (NM_006599.4); c.2522C>T, p.Pro841Leu (NM_138714.4, NM_173214.3, NM_173215.3); short protein forms P841L, P935L, P710L, P917L, P934L.
Identifiers: ClinVar variation 1041175 (VCV001041175.8), dbSNP rs908260075, ClinGen allele CA283373723.
Genomic context (GRCh38, chr16:69,692,629, plus strand): 5'-TGATGGAGATGCAACAGAGTATCTGCCAGGCAGCTGCCCAGATTCAGTCAGAGTTATTCC[C>T]TTCAACTGCTTCAGCAAATGGAAACCTTCAGCAATCGCCAGTTTACCAGCAGACTTCTCA-3'
Protein context (NP_619727.2, residues 925-945): AAAQIQSELF[Pro935Leu]STASANGNLQ